The following is an entry in ClinVar:

ClinVar aggregate classification (germline): Uncertain significance (1 of 4 stars; one submission).

Conditions:
Familial hemophagocytic lymphohistiocytosis 3 (FHL3). Also called: UNC13D-Related Familial Hemophagocytic Lymphohistiocytosis (UNC13D-fHLH). Identifiers: Orphanet 540, MedGen C1837174, MONDO:0012146, OMIM 608898.

Allele frequency attached by ClinVar (database versions not stated): ESP Exome Variant Server 0.00008.
gnomAD v4.1: 11 of 1,612,108 alleles (0.00068%); highest among the groups gnomAD compares: Middle Eastern, 0.033%; no homozygotes.

Submission:

Labcorp Genetics (formerly Invitae), Labcorp
Classification: Uncertain significance for Familial hemophagocytic lymphohistiocytosis 3. Last evaluated: 2022-06-09. Review status: criteria provided, single submitter. Criteria: Invitae Variant Classification Sherloc (09022015). Collection method: clinical testing. Allele origin: germline.
Comment: This sequence change replaces proline, which is neutral and non-polar, with glutamine, which is neutral and polar, at codon 33 of the UNC13D protein (p.Pro33Gln). This variant is present in population databases (rs140437526, gnomAD 0.02%). This variant has not been reported in the literature in individuals affected with UNC13D-related conditions. Algorithms developed to predict the effect of missense changes on protein structure and function are either unavailable or do not agree on the potential impact of this missense change (SIFT: "Not Available"; PolyPhen-2: "Benign"; Align-GVGD: "Not Available"). In summary, the available evidence is currently insufficient to determine the role of this variant in disease. Therefore, it has been classified as a Variant of Uncertain Significance.

NM_199242.3(UNC13D):c.98C>A (p.Pro33Gln)

Gene: UNC13D (unc-13 homolog D; minus strand). Cytogenetic location: 17q25.1.
Variant type: single nucleotide variant.
Coding change: c.98C>A on transcript NM_199242.3 (MANE Select); coding-DNA position 98, C replaced by A.
Protein change: p.Pro33Gln; replaces proline 33 with glutamine.
Molecular consequence: missense variant.
Genome position (GRCh38, 1-based): chr17:75,844,240, G>T on the plus strand (C>A on the coding strand, the complement: UNC13D is on the minus strand). VCF-style: chr17-75844240-G-T. GRCh37 (hg19) VCF-style: chr17-73840321-G-T.
Other names: short protein forms P33Q.
Identifiers: ClinVar variation 1921461 (VCV001921461.2), dbSNP rs140437526, ClinGen allele CA8773680.